The following is an entry in ClinVar:

NM_006267.5(RANBP2):c.1270G>A (p.Val424Ile)

Gene: RANBP2 (RAN binding protein 2; plus strand). Cytogenetic location: 2q13.
Variant type: single nucleotide variant.
Coding change: c.1270G>A on transcript NM_006267.5 (MANE Select); coding-DNA position 1270, G replaced by A.
Protein change: p.Val424Ile; replaces valine 424 with isoleucine.
Molecular consequence: missense variant.
Genome position (GRCh38, 1-based): chr2:108,749,126, G>A. VCF-style: chr2-108749126-G-A. GRCh37 (hg19) VCF-style: chr2-109365582-G-A.
Other names: short protein forms V424I.
Identifiers: ClinVar variation 537202 (VCV000537202.6), dbSNP rs761793907, ClinGen allele CA1822276.

ClinVar aggregate classification (germline): Conflicting classifications of pathogenicity. Review status: criteria provided, conflicting classifications (1 of 4 stars). 3 submissions from 3 submitters: Uncertain significance (2); Likely benign (1). Last evaluated 2022-01-10.

Conditions:
Familial acute necrotizing encephalopathy (IIAE3). Also called: Susceptibility to Acute Necrotizing Encephalopathy 1; ENCEPHALOPATHY, ACUTE, INFECTION-INDUCED, SUSCEPTIBILITY TO, 3. Identifiers: Orphanet 88619, MedGen C2675556, MONDO:0011953, OMIM 608033.

Allele frequency attached by ClinVar (database versions not stated): gnomAD exomes below 0.00001; ExAC 0.00001; gnomAD 0.00001; TOPMed 0.00002.
gnomAD v4.1: 2 of 1,611,810 alleles (0.00012%); highest among the groups gnomAD compares: African/African-American, 0.0027%; no homozygotes.

Submissions (3):

Ambry Genetics
Classification: Uncertain significance. Last evaluated: 2022-01-10. Review status: criteria provided, single submitter. Criteria: Ambry Variant Classification Scheme 2023. Collection method: clinical testing. Allele origin: germline.

Blueprint Genetics
Classification: Likely benign. Last evaluated: 2022-01-03. Review status: criteria provided, single submitter. Criteria: ACMG Guidelines, 2015. Collection method: clinical testing. Allele origin: germline.

Labcorp Genetics (formerly Invitae), Labcorp
Classification: Uncertain significance for Familial acute necrotizing encephalopathy. Last evaluated: 2017-11-30. Review status: criteria provided, single submitter. Criteria: Invitae Variant Classification Sherloc (09022015). Collection method: clinical testing. Allele origin: germline.
Comment: In summary, the available evidence is currently insufficient to determine the role of this variant in disease. Therefore, it has been classified as a Variant of Uncertain Significance. Algorithms developed to predict the effect of missense changes on protein structure and function output the following: SIFT: "Tolerated"; PolyPhen-2: "Benign"; Align-GVGD: "Class C0". The isoleucine amino acid residue is found in multiple mammalian species, suggesting that this missense change does not adversely affect protein function. These predictions have not been confirmed by published functional studies and their clinical significance is uncertain. This variant has not been reported in the literature in individuals with RANBP2-related disease. The frequency data for this variant in the population databases is considered unreliable, as metrics indicate poor data quality at this position in the ExAC database. This sequence change replaces valine with isoleucine at codon 424 of the RANBP2 protein (p.Val424Ile). The valine residue is weakly conserved and there is a small physicochemical difference between valine and isoleucine.